The following is an entry in ClinVar:

NM_004329.3(BMPR1A):c.608G>A (p.Gly203Glu)

Gene: BMPR1A (bone morphogenetic protein receptor type 1A; plus strand). Cytogenetic location: 10q23.2.
Variant type: single nucleotide variant.
Coding change: c.608G>A on transcript NM_004329.3 (MANE Select); coding-DNA position 608, G replaced by A.
Protein change: p.Gly203Glu; replaces glycine 203 with glutamic acid.
Molecular consequence: missense variant.
Genome position (GRCh38, 1-based): chr10:86,912,317, G>A. VCF-style: chr10-86912317-G-A. GRCh37 (hg19) VCF-style: chr10-88672074-G-A.
Other names: short protein forms G203E.
Identifiers: ClinVar variation 142824 (VCV000142824.20), dbSNP rs587782748, ClinGen allele CA169501.

ClinVar aggregate classification (germline): Uncertain significance. Review status: criteria provided, multiple submitters, no conflicts (2 of 4 stars). 3 submissions from 3 submitters: Uncertain significance (3). Last evaluated 2024-10-21.

Conditions:
Juvenile polyposis syndrome (JPS). Identifiers: Orphanet 2929, MedGen C0345893, MONDO:0017380, OMIM 174900.
Hereditary cancer-predisposing syndrome. Also called: Tumor predisposition; Neoplastic Syndromes, Hereditary; Hereditary neoplastic syndrome; Hereditary Cancer Syndrome. Identifiers: Orphanet 140162, MedGen C0027672, MeSH D009386, MONDO:0015356.

Submissions (3):

Ambry Genetics
Classification: Uncertain significance for Hereditary cancer-predisposing syndrome. Last evaluated: 2024-10-21. Review status: criteria provided, single submitter. Criteria: Ambry Variant Classification Scheme 2023. Collection method: clinical testing. Allele origin: germline.
Comment: The p.G203E variant (also known as c.608G>A), located in coding exon 6 of the BMPR1A gene, results from a G to A substitution at nucleotide position 608. The glycine at codon 203 is replaced by glutamic acid, an amino acid with similar properties. This amino acid position is highly conserved in available vertebrate species. In addition, this alteration is predicted to be deleterious by in silico analysis. Since supporting evidence is limited at this time, the clinical significance of this alteration remains unclear.

Labcorp Genetics (formerly Invitae), Labcorp
Classification: Uncertain significance for Juvenile polyposis syndrome. Last evaluated: 2024-09-03. Review status: criteria provided, single submitter. Criteria: Invitae Variant Classification Sherloc (09022015). Collection method: clinical testing. Allele origin: germline.
Comment: This sequence change replaces glycine, which is neutral and non-polar, with glutamic acid, which is acidic and polar, at codon 203 of the BMPR1A protein (p.Gly203Glu). The frequency data for this variant in the population databases is considered unreliable, as metrics indicate poor data quality at this position in the gnomAD database. This variant has not been reported in the literature in individuals affected with BMPR1A-related conditions. ClinVar contains an entry for this variant (Variation ID: 142824). Invitae Evidence Modeling of protein sequence and biophysical properties (such as structural, functional, and spatial information, amino acid conservation, physicochemical variation, residue mobility, and thermodynamic stability) indicates that this missense variant is not expected to disrupt BMPR1A protein function with a negative predictive value of 80%. In summary, the available evidence is currently insufficient to determine the role of this variant in disease. Therefore, it has been classified as a Variant of Uncertain Significance.

All of Us Research Program, National Institutes of Health
Classification: Uncertain significance for Juvenile polyposis syndrome. Last evaluated: 2024-05-30. Review status: criteria provided, single submitter. Criteria: ACMG Guidelines, 2015. Collection method: clinical testing. Allele origin: germline. Inheritance: Autosomal dominant inheritance. Observed: 4 variant alleles, 4 heterozygotes.
Comment: This missense variant replaces glycine with glutamic acid at codon 203 of the BMPR1A protein. Computational prediction is inconclusive regarding the impact of this variant on protein structure and function (internally defined REVEL score threshold 0.5 < inconclusive < 0.7, PMID: 27666373). To our knowledge, functional studies have not been reported for this variant. This variant has not been reported in individuals affected with BMPR1A-related disorders in the literature. This variant has not been identified in the general population by the Genome Aggregation Database (gnomAD). The available evidence is insufficient to determine the role of this variant in disease conclusively. Therefore, this variant is classified as a Variant of Uncertain Significance.

This study involves interpretation of variants in research participants for the purpose of population health screening. Participant phenotype was not available at the time of variant classification. Additional details can be found in publication PMID: 35346344, PMCID: PMC8962531